The following is an entry in ClinVar:

NM_198253.3(TERT):c.438C>A (p.Asp146Glu)

Gene: TERT (telomerase reverse transcriptase; minus strand). Cytogenetic location: 5p15.33.
Variant type: single nucleotide variant.
Coding change: c.438C>A on transcript NM_198253.3 (MANE Select); coding-DNA position 438, C replaced by A.
Protein change: p.Asp146Glu; replaces aspartic acid 146 with glutamic acid.
Molecular consequence: missense variant. On other transcripts: non-coding transcript variant (2).
Genome position (GRCh38, 1-based): chr5:1,294,448, G>T on the plus strand (C>A on the coding strand, the complement: TERT is on the minus strand). VCF-style: chr5-1294448-G-T. GRCh37 (hg19) VCF-style: chr5-1294563-G-T.
Other names: c.438C>A, p.Asp146Glu (NM_001193376.3, NM_003219.1); short protein forms D146E.
Identifiers: ClinVar variation 1740197 (VCV001740197.2), dbSNP rs1579598506, ClinGen allele CA359058033.

ClinVar aggregate classification (germline): Uncertain significance (1 of 4 stars; one submission).

Conditions:
Dyskeratosis congenita. Identifiers: Orphanet 1775, MedGen C0265965, MONDO:0015780.

Submission:

Ambry Genetics
Classification: Uncertain significance for Dyskeratosis congenita. Last evaluated: 2015-12-30. Review status: criteria provided, single submitter. Criteria: Ambry Variant Classification Scheme 2023. Collection method: clinical testing. Allele origin: germline.
Comment: The p.D146E variant (also known as c.438C>A), located in coding exon 2 of the TERT gene, results from a C to A substitution at nucleotide position 438. The aspartic acid at codon 146 is replaced by glutamic acid, an amino acid with highly similar properties. This variant was not reported in population based cohorts in the following databases: Database of Single Nucleotide Polymorphisms (dbSNP), NHLBI Exome Sequencing Project (ESP), and 1000 Genomes Project. In the ESP, this variant was not observed in 6104 samples (12208 alleles) with coverage at this position. This amino acid position is well conserved in available vertebrate species. In addition, the in silico prediction for this alteration is inconclusive. Since supporting evidence is limited at this time, the clinical significance of this variant remains unclear.